The following is an entry in ClinVar:

ClinVar aggregate classification (germline): Uncertain significance (1 of 4 stars; one submission).

gnomAD v4.1: 4 of 1,601,940 alleles (0.00025%); highest among the groups gnomAD compares: Admixed American, 0.0068%; no homozygotes.

Submission:

Women's Health and Genetics/Laboratory Corporation of America, LabCorp
Classification: Uncertain significance. Last evaluated: 2025-02-04. Review status: criteria provided, single submitter. Criteria: LabCorp Variant Classification Summary - May 2015. Collection method: clinical testing. Allele origin: germline.
Comment: Variant summary: CHAMP1 c.10T>G (p.Phe4Val) results in a non-conservative amino acid change in the encoded protein sequence. Four of five in-silico tools predict a benign effect of the variant on protein function. The variant allele was found at a frequency of 1.2e-05 in 246268 control chromosomes. The available data on variant occurrences in the general population are insufficient to allow any conclusion about variant significance. To our knowledge, no occurrence of c.10T>G in individuals affected with Intellectual Disability, Autosomal Dominant 40 and no experimental evidence demonstrating its impact on protein function have been reported. No submitters have cited clinical-significance assessments for this variant to ClinVar. Based on the evidence outlined above, the variant was classified as uncertain significance.

NM_032436.4(CHAMP1):c.10T>G (p.Phe4Val)

Gene: CHAMP1 (chromosome alignment maintaining phosphoprotein 1; plus strand). Cytogenetic location: 13q34.
Variant type: single nucleotide variant.
Coding change: c.10T>G on transcript NM_032436.4 (MANE Select); coding-DNA position 10, T replaced by G.
Protein change: p.Phe4Val; replaces phenylalanine 4 with valine.
Molecular consequence: missense variant.
Genome position (GRCh38, 1-based): chr13:114,323,852, T>G. VCF-style: chr13-114323852-T-G. GRCh37 (hg19) VCF-style: chr13-115089327-T-G.
Other names: c.10T>G, p.Phe4Val (NM_001164144.3, NM_001164145.3); short protein forms F4V.
Identifiers: ClinVar variation 3768782 (VCV003768782.1).
Genomic context (GRCh38, chr13:114,323,852, plus strand): 5'-ATTGAAAGTTTTTAAAGAATATAACCGTGTGTGTTGGTAACAGACAGAAGAATGGAAGCA[T>G]TCCAGGAACTTCGTAAACCATCAGCACGTTTGGAGTGTGACCATTGCAGTTTCAGAGGCA-3'
Protein context (NP_115812.1, residues 1-14): MEA[Phe4Val]QELRKPSARL